The following is an entry in ClinVar:

ClinVar aggregate classification (germline): Uncertain significance. Review status: criteria provided, multiple submitters, no conflicts (2 of 4 stars). 2 submissions from 2 submitters: Uncertain significance (2). Last evaluated 2023-06-05.

Conditions:
Cardiovascular phenotype. Identifiers: MedGen CN230736.
Walker-Warburg congenital muscular dystrophy. Also called: Muscular dystrophy-dystroglycanopathy, type A; Walker-Warburg syndrome. Identifiers: Orphanet 899, MedGen C0265221, MONDO:0000171.

Allele frequency attached by ClinVar (database versions not stated): gnomAD exomes below 0.00001; ExAC 0.00001; gnomAD 0.00001; TOPMed 0.00001.
gnomAD v4.1: 6 of 1,595,740 alleles (0.00038%); highest among the groups gnomAD compares: Non-Finnish European, 0.00052%; no homozygotes.

Submissions (2):

Ambry Genetics
Classification: Uncertain significance for Cardiovascular phenotype. Last evaluated: 2023-06-05. Review status: criteria provided, single submitter. Criteria: Ambry Variant Classification Scheme 2023. Collection method: clinical testing. Allele origin: germline.
Comment: The p.N5D variant (also known as c.13A>G), located in coding exon 1 of the FKTN gene, results from an A to G substitution at nucleotide position 13. The asparagine at codon 5 is replaced by aspartic acid, an amino acid with highly similar properties. This amino acid position is conserved. In addition, this alteration is predicted to be tolerated by in silico analysis. Since supporting evidence is limited at this time, the clinical significance of this alteration remains unclear.

Labcorp Genetics (formerly Invitae), Labcorp
Classification: Uncertain significance for Walker-Warburg congenital muscular dystrophy. Last evaluated: 2022-02-10. Review status: criteria provided, single submitter. Criteria: Invitae Variant Classification Sherloc (09022015). Collection method: clinical testing. Allele origin: germline.
Comment: This sequence change replaces asparagine, which is neutral and polar, with aspartic acid, which is acidic and polar, at codon 5 of the FKTN protein (p.Asn5Asp). This variant is present in population databases (rs765929865, gnomAD 0.0009%). This variant has not been reported in the literature in individuals affected with FKTN-related conditions. ClinVar contains an entry for this variant (Variation ID: 575410). Algorithms developed to predict the effect of missense changes on protein structure and function (SIFT, PolyPhen-2, Align-GVGD) all suggest that this variant is likely to be tolerated. In summary, the available evidence is currently insufficient to determine the role of this variant in disease. Therefore, it has been classified as a Variant of Uncertain Significance.

NM_001079802.2(FKTN):c.13A>G (p.Asn5Asp)

Gene: FKTN (fukutin; plus strand). Cytogenetic location: 9q31.2.
Variant type: single nucleotide variant.
Coding change: c.13A>G on transcript NM_001079802.2 (MANE Select); coding-DNA position 13, A replaced by G.
Protein change: p.Asn5Asp; replaces asparagine 5 with aspartic acid.
Molecular consequence: missense variant. On other transcripts: 5 prime UTR variant (5), non-coding transcript variant (2).
Genome position (GRCh38, 1-based): chr9:105,575,045, A>G. VCF-style: chr9-105575045-A-G. GRCh37 (hg19) VCF-style: chr9-108337326-A-G.
Other names: c.13A>G, p.Asn5Asp (NM_001198963.2, NM_001351496.2, NM_001351498.2 and 1 more transcripts); c.-155A>G (NM_001351497.2); c.-502A>G (NM_001351499.2, NM_001351500.2, NM_001351501.2 and 1 more transcripts); short protein forms N5D.
Identifiers: ClinVar variation 575410 (VCV000575410.7), dbSNP rs765929865, ClinGen allele CA5170283.